The following is an entry in ClinVar:

ClinVar aggregate classification (germline): Uncertain significance (1 of 4 stars; one submission).

Conditions:
Immunodeficiency 51 (IMD51). Also called: CANDIDIASIS, FAMILIAL, 5. Identifiers: Orphanet 1334, MedGen C4310803, MONDO:0013500, OMIM 613953.

Allele frequency attached by ClinVar (database versions not stated): gnomAD exomes 0.00009 and 0.00013; ExAC 0.00012; TOPMed 0.00012; gnomAD 0.00013; ESP Exome Variant Server 0.00038.
gnomAD v4.1: 147 of 1,614,188 alleles (0.0091%); highest among the groups gnomAD compares: Non-Finnish European, 0.011%; no homozygotes.

Submission:

Labcorp Genetics (formerly Invitae), Labcorp
Classification: Uncertain significance for Immunodeficiency 51. Last evaluated: 2023-12-21. Review status: criteria provided, single submitter. Criteria: Invitae Variant Classification Sherloc (09022015). Collection method: clinical testing. Allele origin: germline.
Comment: This sequence change replaces arginine, which is basic and polar, with histidine, which is basic and polar, at codon 218 of the IL17RA protein (p.Arg218His). This variant is present in population databases (rs140367455, gnomAD 0.02%). This variant has not been reported in the literature in individuals affected with IL17RA-related conditions. ClinVar contains an entry for this variant (Variation ID: 577752). Advanced modeling of protein sequence and biophysical properties (such as structural, functional, and spatial information, amino acid conservation, physicochemical variation, residue mobility, and thermodynamic stability) performed at Invitae indicates that this missense variant is not expected to disrupt IL17RA protein function with a negative predictive value of 80%. In summary, the available evidence is currently insufficient to determine the role of this variant in disease. Therefore, it has been classified as a Variant of Uncertain Significance.

NM_014339.7(IL17RA):c.653G>A (p.Arg218His)

Gene: IL17RA (interleukin 17 receptor A; plus strand). Cytogenetic location: 22q11.1.
Variant type: single nucleotide variant.
Coding change: c.653G>A on transcript NM_014339.7 (MANE Select); coding-DNA position 653, G replaced by A.
Protein change: p.Arg218His; replaces arginine 218 with histidine.
Molecular consequence: missense variant.
Genome position (GRCh38, 1-based): chr22:17,102,193, G>A. VCF-style: chr22-17102193-G-A. GRCh37 (hg19) VCF-style: chr22-17583083-G-A.
Other names: c.653G>A, p.Arg218His (NM_001289905.2); short protein forms R218H.
Identifiers: ClinVar variation 577752 (VCV000577752.7), dbSNP rs140367455, ClinGen allele CA10086447.
Genomic context (GRCh38, chr22:17,102,193, plus strand): 5'-TGGCAGGCAGCCTGTGGGACCCCAACATCACCGTGGAGACCCTGGAGGCCCACCAGCTGC[G>A]TGTGAGCTTCACCCTGTGGAACGAATCTACCCATTACCAGATCCTGCTGACCAGTTTTCC-3'
Protein context (NP_055154.3, residues 208-228): TVETLEAHQL[Arg218His]VSFTLWNEST